The following is an entry in ClinVar:

ClinVar aggregate classification (germline): Uncertain significance (1 of 4 stars; one submission).

gnomAD v4.1: 12 of 1,610,472 alleles (0.00075%); highest among the groups gnomAD compares: South Asian, 0.012%; no homozygotes.

Submission:

GeneDx
Classification: Uncertain significance. Last evaluated: 2026-03-31. Review status: criteria provided, single submitter. Criteria: GeneDx Variant Classification Process June 2021. Collection method: clinical testing. Allele origin: germline.
Comment: In silico analysis suggests that this missense variant does not alter protein structure/function; Has not been previously published as pathogenic or benign to our knowledge

NM_001009944.3(PKD1):c.1232A>C (p.Glu411Ala)

Gene: PKD1 (polycystin 1, transient receptor potential channel interacting; minus strand). Cytogenetic location: 16p13.3.
Variant type: single nucleotide variant.
Coding change: c.1232A>C on transcript NM_001009944.3 (MANE Select); coding-DNA position 1232, A replaced by C.
Protein change: p.Glu411Ala; replaces glutamic acid 411 with alanine.
Molecular consequence: missense variant.
Genome position (GRCh38, 1-based): chr16:2,117,642, T>G on the plus strand (A>C on the coding strand, the complement: PKD1 is on the minus strand). VCF-style: chr16-2117642-T-G. GRCh37 (hg19) VCF-style: chr16-2167643-T-G.
Other names: c.1232A>C, p.Glu411Ala (NM_000296.4); short protein forms E411A.
Identifiers: ClinVar variation 5017555 (VCV005017555.1).